The following is an entry in ClinVar:

ClinVar aggregate classification (germline): Uncertain significance (1 of 4 stars; one submission).

Conditions:
Hereditary cancer-predisposing syndrome. Also called: Neoplastic Syndromes, Hereditary; Tumor predisposition; Hereditary Cancer Syndrome; Hereditary neoplastic syndrome. Identifiers: Orphanet 140162, MedGen C0027672, MeSH D009386, MONDO:0015356.

Submission:

Ambry Genetics
Classification: Uncertain significance for Hereditary cancer-predisposing syndrome. Last evaluated: 2021-12-11. Review status: criteria provided, single submitter. Criteria: Ambry Variant Classification Scheme 2023. Collection method: clinical testing. Allele origin: germline.
Comment: The p.T2331N variant (also known as c.6992C>A), located in coding exon 12 of the BRCA2 gene, results from a C to A substitution at nucleotide position 6992. The threonine at codon 2331 is replaced by asparagine, an amino acid with similar properties. This amino acid position is conserved. In addition, the in silico prediction for this alteration is inconclusive. Since supporting evidence is limited at this time, the clinical significance of this alteration remains unclear.

NM_000059.4(BRCA2):c.6992C>A (p.Thr2331Asn)

Gene: BRCA2 (BRCA2 DNA repair associated; plus strand). Cytogenetic location: 13q13.1.
Variant type: single nucleotide variant.
Coding change: c.6992C>A on transcript NM_000059.4 (MANE Select); coding-DNA position 6992, C replaced by A.
Protein change: p.Thr2331Asn; replaces threonine 2331 with asparagine.
Molecular consequence: missense variant.
Genome position (GRCh38, 1-based): chr13:32,346,881, C>A. VCF-style: chr13-32346881-C-A. GRCh37 (hg19) VCF-style: chr13-32921018-C-A.
Other names: c.6896C>A, p.Thr2299Asn (NM_001406719.1); c.6992C>A, p.Thr2331Asn (NM_001406720.1); c.2060C>A, p.Thr687Asn (NM_001406721.1); c.575C>A, p.Thr192Asn (NM_001406722.1); short protein forms T2299N, T2331N, T687N, T192N.
Identifiers: ClinVar variation 1756485 (VCV001756485.2), dbSNP rs2137541741, ClinGen allele CA387793139.